The following is an entry in ClinVar:

ClinVar aggregate classification (germline): Uncertain significance (1 of 4 stars; one submission).

Submission:

CeGaT Center for Human Genetics Tuebingen
Classification: Uncertain significance. Last evaluated: 2026-06-01. Review status: criteria provided, single submitter. Criteria: CeGaT Center For Human Genetics Tuebingen Variant Classification Criteria Version 2. Collection method: clinical testing. Allele origin: germline. Affected: yes. Observed: 1 variant allele.
Comment: TCEAL1: PM2, PP3

NM_004780.3(TCEAL1):c.-112-2A>G

Gene: TCEAL1 (transcription elongation factor A like 1; plus strand). Cytogenetic location: Xq22.2.
Variant type: single nucleotide variant.
Coding change: c.-112-2A>G on transcript NM_004780.3 (MANE Select); the canonical splice acceptor site of the intron before 112 bases upstream of the start codon, A replaced by G.
Molecular consequence: splice acceptor variant.
Genome position (GRCh38, 1-based): chrX:103,629,492, A>G. VCF-style: chrX-103629492-A-G. GRCh37 (hg19) VCF-style: chrX-102884420-A-G.
Other names: c.-100-2A>G (NM_001006639.2, NM_001006640.2).
Identifiers: ClinVar variation 5039951 (VCV005039951.1).